The following is an entry in ClinVar:

NM_001312909.2(FAM111A):c.1451C>A (p.Ala484Asp)

Gene: FAM111A (FAM111 trypsin like peptidase A; plus strand). Cytogenetic location: 11q12.1.
Variant type: single nucleotide variant.
Coding change: c.1451C>A on transcript NM_001312909.2 (MANE Select); coding-DNA position 1451, C replaced by A.
Protein change: p.Ala484Asp; replaces alanine 484 with aspartic acid.
Molecular consequence: missense variant.
Genome position (GRCh38, 1-based): chr11:59,153,119, C>A. VCF-style: chr11-59153119-C-A. GRCh37 (hg19) VCF-style: chr11-58920592-C-A.
Other names: c.1451C>A, p.Ala484Asp (NM_001142519.3, NM_001142520.3, NM_001142521.3 and 29 more transcripts); short protein forms A484D.
Identifiers: ClinVar variation 3377188 (VCV003377188.2).

ClinVar aggregate classification (germline): Uncertain significance. Review status: criteria provided, multiple submitters, no conflicts (2 of 4 stars). 2 submissions from 2 submitters: Uncertain significance (2). Last evaluated 2024-10-08.

Conditions:
Autosomal dominant Kenny-Caffey syndrome. Also called: Kenny-Caffey syndrome type 2. Identifiers: Orphanet 2333, Orphanet 93325, MedGen C4316787, MONDO:0007478, OMIM 127000.

Submissions (2):

Victorian Clinical Genetics Services, Murdoch Childrens Research Institute
Classification: Uncertain significance for Autosomal dominant Kenny-Caffey syndrome. Last evaluated: 2024-10-08. Review status: criteria provided, single submitter. Criteria: ACMG Guidelines, 2015. Collection method: clinical testing. Allele origin: germline. Inheritance: Autosomal dominant inheritance. Affected: yes.
Comment: Based on the classification scheme VCGS_Germline_v1.3.4, this variant is classified as VUS-3A. Following criteria are met: 0105 - The mechanism of disease for this gene is not clearly established. (I) 0107 - This gene is associated with autosomal dominant disease. (I) 0200 - Variant is predicted to result in a missense amino acid change from alanine to aspartic acid. (I) 0251 - This variant is heterozygous. (I) 0301 - Variant is absent from gnomAD (both v2 and v3). (SP) 0502 - Missense variant with conflicting in silico predictions and uninformative conservation. (I) 0600 - Variant is located in the annotated Trypsin-like peptidase domain (DECIPHER). (I) 0705 - No comparable missese variants have previous evidence for pathogenicity. (I) 0807 - This variant has no previous evidence of pathogenicity. (I) 0905 - No published segregation evidence has been identified for this variant. (I) 1007 - No published functional evidence has been identified for this variant. (SP) Legend: (SP) - Supporting pathogenic, (I) - Information, (SB) - Supporting benign

Blueprint Genetics
Classification: Uncertain significance. Last evaluated: 2023-10-10. Review status: criteria provided, single submitter. Criteria: ACMG Guidelines, 2015. Collection method: clinical testing. Allele origin: germline.